The following is an entry in ClinVar:

NM_001130965.3(SUN1):c.1091G>A (p.Gly364Asp)

Gene: SUN1 (Sad1 and UNC84 domain containing 1; plus strand). Cytogenetic location: 7p22.3.
Variant type: single nucleotide variant.
Coding change: c.1091G>A on transcript NM_001130965.3 (MANE Select); coding-DNA position 1091, G replaced by A.
Protein change: p.Gly364Asp; replaces glycine 364 with aspartic acid.
Molecular consequence: missense variant. On other transcripts: non-coding transcript variant (3).
Genome position (GRCh38, 1-based): chr7:853,446, G>A. VCF-style: chr7-853446-G-A. GRCh37 (hg19) VCF-style: chr7-893083-G-A.
Other names: c.782G>A, p.Gly261Asp (NM_001171944.2); c.1091G>A, p.Gly364Asp (NM_001367633.1, NM_001367634.1, NM_001367672.1 and 1 more transcripts); c.740G>A, p.Gly247Asp (NM_001367635.1); c.1331G>A, p.Gly444Asp (NM_001367636.1, NM_001367691.1); c.1199G>A, p.Gly400Asp (NM_001367638.1); c.632G>A, p.Gly211Asp (NM_001367639.1); c.1271G>A, p.Gly424Asp (NM_001367640.1); c.1373G>A, p.Gly458Asp (NM_001367641.1, NM_001367682.1); and 38 more; short protein forms G380D, G392D, G400D, G407D, G428D, G430D, G444D, G466D.
Identifiers: ClinVar variation 3707363 (VCV003707363.2).

ClinVar aggregate classification (germline): Uncertain significance (1 of 4 stars; one submission).

Conditions:
Emery-Dreifuss muscular dystrophy (EDMD). Also called: Scapuloperoneal syndrome, X-linked (formerly); Humeroperoneal neuromuscular disease, (formerly). Identifiers: Orphanet 261, MedGen C0410189, MONDO:0016830.

gnomAD v4.1: 2 of 1,614,050 alleles (0.00012%); highest among the groups gnomAD compares: Non-Finnish European, 0.000085%; no homozygotes.

Submission:

Labcorp Genetics (formerly Invitae), Labcorp
Classification: Uncertain significance for Emery-Dreifuss muscular dystrophy. Last evaluated: 2024-02-14. Review status: criteria provided, single submitter. Criteria: Invitae Variant Classification Sherloc (09022015). Collection method: clinical testing. Allele origin: germline.
Comment: This sequence change replaces glycine, which is neutral and non-polar, with aspartic acid, which is acidic and polar, at codon 364 of the SUN1 protein (p.Gly364Asp). This variant is not present in population databases (gnomAD no frequency). This variant has not been reported in the literature in individuals affected with SUN1-related conditions. Algorithms developed to predict the effect of missense changes on protein structure and function output the following: SIFT: "Not Available"; PolyPhen-2: "Benign"; Align-GVGD: "Not Available". The aspartic acid amino acid residue is found in multiple mammalian species, which suggests that this missense change does not adversely affect protein function. In summary, the available evidence is currently insufficient to determine the role of this variant in disease. Therefore, it has been classified as a Variant of Uncertain Significance.